The following is an entry in ClinVar:

ClinVar aggregate classification (germline): Likely pathogenic (1 of 4 stars; one submission).

Conditions:
Aniridia 1 (AN1). Identifiers: Orphanet 250923, MedGen C0344542, MONDO:0024507, OMIM 106210.
Irido-corneo-trabecular dysgenesis (ASGD5). Also called: ANTERIOR SEGMENT DYSGENESIS 5. Identifiers: Orphanet 708, MedGen C0344559, MONDO:0011414, OMIM 604229, HP:0000659.

Submission:

Labcorp Genetics (formerly Invitae), Labcorp
Classification: Likely pathogenic for Aniridia 1; Irido-corneo-trabecular dysgenesis. Last evaluated: 2022-06-05. Review status: criteria provided, single submitter. Criteria: Invitae Variant Classification Sherloc (09022015). Collection method: clinical testing. Allele origin: germline.
Comment: This sequence change replaces valine, which is neutral and non-polar, with leucine, which is neutral and non-polar, at codon 53 of the PAX6 protein (p.Val53Leu). This variant is not present in population databases (gnomAD no frequency). This missense change has been observed in individual(s) with clinical features of PAX6-related conditions (PMID: 10234503; Invitae). Advanced modeling of protein sequence and biophysical properties (such as structural, functional, and spatial information, amino acid conservation, physicochemical variation, residue mobility, and thermodynamic stability) performed at Invitae indicates that this missense variant is expected to disrupt PAX6 protein function. Experimental studies have shown that this missense change affects PAX6 function (PMID: 12388550). Algorithms developed to predict the effect of sequence changes on RNA splicing suggest that this variant may disrupt the consensus splice site. In summary, the currently available evidence indicates that the variant is pathogenic, but additional data are needed to prove that conclusively. Therefore, this variant has been classified as Likely Pathogenic.

Literature cited by the submitters: PubMed 10234503; PubMed 12388550.

NM_001368894.2(PAX6):c.199G>C (p.Val67Leu)

Gene: PAX6 (paired box 6; minus strand). Cytogenetic location: 11p13.
Variant type: single nucleotide variant.
Coding change: c.199G>C on transcript NM_001368894.2 (MANE Select); coding-DNA position 199, G replaced by C.
Protein change: p.Val67Leu; replaces valine 67 with leucine.
Molecular consequence: missense variant. On other transcripts: 5 prime UTR variant (14), non-coding transcript variant (2), splice donor variant (8).
Genome position (GRCh38, 1-based): chr11:31,801,761, C>G on the plus strand (G>C on the coding strand, the complement: PAX6 is on the minus strand). VCF-style: chr11-31801761-C-G. GRCh37 (hg19) VCF-style: chr11-31823309-C-G.
Other names: c.157G>C, p.Val53Leu (NM_001368890.2, NM_001368891.2, NM_001368916.2 and 10 more transcripts); c.199G>C, p.Val67Leu (NM_001368892.2, NM_001368893.2, NM_001368912.2 and 6 more transcripts); c.-252G>C (NM_001368899.2, NM_001368900.2, NM_001368901.2 and 8 more transcripts); c.-583G>C (NM_001368902.2, NM_001368905.2, NM_001310160.2); c.400G>C, p.Val134Leu (NM_001368910.2); c.202G>C, p.Val68Leu (NM_001368911.2); c.274G>C, p.Val92Leu (NM_001368918.2, NM_001368919.2); c.232G>C, p.Val78Leu (NM_001368920.2); and 2 more; short protein forms V67L, V134L, V53L, V68L, V92L, V78L.
Identifiers: ClinVar variation 2137042 (VCV002137042.4), dbSNP rs2496152990, ClinGen allele CA379959087.